The following is an entry in ClinVar:

ClinVar aggregate classification (germline): Uncertain significance (1 of 4 stars; one submission).

Conditions:
Ataxia-telangiectasia syndrome (AT). Also called: Ataxia-telangiectasia, complementation group D; AT, COMPLEMENTATION GROUP C; ATAXIA-TELANGIECTASIA, COMPLEMENTATION GROUP A; ATAXIA-TELANGIECTASIA, FRESNO VARIANT; Ataxia-telangiectasia; Ataxia telangiectasia (A-T). Identifiers: Orphanet 100, MedGen C0004135, MONDO:0008840, OMIM 208900.

Submission:

Labcorp Genetics (formerly Invitae), Labcorp
Classification: Uncertain significance for Ataxia-telangiectasia syndrome. Last evaluated: 2020-05-29. Review status: criteria provided, single submitter. Criteria: Invitae Variant Classification Sherloc (09022015). Collection method: clinical testing. Allele origin: germline.
Comment: This sequence change replaces isoleucine with leucine at codon 2888 of the ATM protein (p.Ile2888Leu). The isoleucine residue is highly conserved and there is a small physicochemical difference between isoleucine and leucine. This variant is not present in population databases (ExAC no frequency). This variant has not been reported in the literature in individuals with ATM-related conditions. Algorithms developed to predict the effect of missense changes on protein structure and function are either unavailable or do not agree on the potential impact of this missense change (SIFT: "Deleterious"; PolyPhen-2: "Probably Damaging"; Align-GVGD: "Class C0"). In summary, the available evidence is currently insufficient to determine the role of this variant in disease. Therefore, it has been classified as a Variant of Uncertain Significance.

NM_000051.4(ATM):c.8662A>T (p.Ile2888Leu)

Genes: C11orf65 (chromosome 11 open reading frame 65; minus strand), ATM (ATM serine/threonine kinase; plus strand). Cytogenetic location: 11q22.3.
Variant type: single nucleotide variant.
Coding change: c.8662A>T on transcript NM_000051.4 (MANE Select); coding-DNA position 8662, A replaced by T.
Protein change: p.Ile2888Leu; replaces isoleucine 2888 with leucine.
Molecular consequence: missense variant. On other transcripts: intron variant (2).
Genome position (GRCh38, 1-based): chr11:108,347,356, A>T. VCF-style: chr11-108347356-A-T. GRCh37 (hg19) VCF-style: chr11-108218083-A-T.
Other names: c.8662A>T, p.Ile2888Leu (NM_001351834.2); c.641-38285T>A (NM_001330368.2); c.695-12064T>A (NM_001351110.2); short protein forms I2888L.
Identifiers: ClinVar variation 956514 (VCV000956514.10), dbSNP rs2088562912, ClinGen allele CA382521230.